The following is an entry in ClinVar:

ClinVar aggregate classification (germline): Benign/Likely benign. Review status: criteria provided, multiple submitters, no conflicts (2 of 4 stars). 9 submissions from 9 submitters: Benign (6); Likely benign (2). 1 of the submissions does not count toward it. Last evaluated 2026-02-04.

Conditions:
Progressive sclerosing poliodystrophy (MTDPS4A). Also called: Alpers Syndrome; ALPERS DIFFUSE DEGENERATION OF CEREBRAL GRAY MATTER WITH HEPATIC CIRRHOSIS; Alpers-Huttenlocher Syndrome; Alpers-Huttenlocher Syndrome (AHS); NEURONAL DEGENERATION OF CHILDHOOD WITH LIVER DISEASE, PROGRESSIVE; ALPERS PROGRESSIVE INFANTILE POLIODYSTROPHY. Identifiers: Orphanet 726, MedGen C0205710, MONDO:0008758, OMIM 203700.
Fanconi anemia complementation group I (FANCI). Also called: FANCI-Related Fanconi Anemia. Identifiers: Orphanet 84, MedGen C1836861, MONDO:0012186, OMIM 609053.

Allele frequency attached by ClinVar (database versions not stated): gnomAD exomes 0.00071 and 0.00179; ExAC 0.00208; gnomAD 0.00732 and 0.00785; 1000 Genomes Project 0.00739; 1000 Genomes Project 30x 0.00796; TOPMed 0.00826; ESP Exome Variant Server 0.00869.
gnomAD v4.1: 2,173 of 1,607,264 alleles (0.14%); highest among the groups gnomAD compares: African/African-American, 2.6%; 31 homozygotes.

Submissions (9):

Labcorp Genetics (formerly Invitae), Labcorp
Classification: Benign for Progressive sclerosing poliodystrophy. Last evaluated: 2026-02-04. Review status: criteria provided, single submitter. Criteria: Invitae Variant Classification Sherloc (09022015). Collection method: clinical testing. Allele origin: germline.

Blueprint Genetics
Classification: Likely benign. Last evaluated: 2024-11-20. Review status: criteria provided, single submitter. Criteria: ACMG Guidelines, 2015. Collection method: clinical testing. Allele origin: germline.

Mayo Clinic Laboratories, Mayo Clinic
Classification: Benign. Last evaluated: 2022-08-11. Review status: criteria provided, single submitter. Criteria: ACMG Guidelines, 2015. Collection method: clinical testing. Allele origin: germline. Observed: 29 variant alleles.
Comment: BA1, BP4, BP7

Athena Diagnostics
Classification: Benign. Last evaluated: 2019-05-21. Review status: criteria provided, single submitter. Criteria: Athena Diagnostics Criteria. Collection method: clinical testing. Allele origin: germline.

Wong Mito Lab, Molecular and Human Genetics, Baylor College of Medicine
Classification: Benign for Progressive sclerosing poliodystrophy. Last evaluated: 2018-10-01. Review status: criteria provided, single submitter. Criteria: ACMG Guidelines, 2015. Collection method: clinical testing. Allele origin: germline.
Comment: The NM_002693.2:c.3644-9A>G (NP_002684.1:p.=) [GRCH38: NC_000015.10:g.89316836T>C] variant in FANCI gene is interpretated to be a Benign based on ACMG guidelines (PMID: 25741868). This variant meets the following evidence codes reported in the ACMG-guideline. BA1:Minor allele frequency is too high for the Mitochondrial DNA depletion syndrome 4A (Alpers type). BP4:Computational evidence/predictors indicate no impact on the FANCI structure, function, or protein-protein interaction. Based on the evidence criteria codes applied, the variant is suggested to be Benign.

Illumina Laboratory Services, Illumina
Classification: Benign for Fanconi anemia complementation group I. Last evaluated: 2018-01-13. Review status: criteria provided, single submitter. Criteria: ICSL Variant Classification Criteria 13 December 2019. Collection method: clinical testing. Allele origin: germline.
Comment: This variant was observed in the ICSL laboratory as part of a predisposition screen in an ostensibly healthy population. It had not been previously curated by ICSL or reported in the Human Gene Mutation Database (HGMD: prior to June 1st, 2018), and was therefore a candidate for classification through an automated scoring system. Utilizing variant allele frequency, disease prevalence and penetrance estimates, and inheritance mode, an automated score was calculated to assess if this variant is too frequent to cause the disease. Based on the score and internal cut-off values, a variant classified as benign is not then subjected to further curation. The score for this variant resulted in a classification of benign for this disease.

GeneDx
Classification: Benign. Last evaluated: 2013-02-05. Review status: criteria provided, single submitter. Criteria: GeneDx Variant Classification (06012015). Collection method: clinical testing. Allele origin: germline. Affected: yes.
Comment: This variant is considered likely benign or benign based on one or more of the following criteria: it is a conservative change, it occurs at a poorly conserved position in the protein, it is predicted to be benign by multiple in silico algorithms, and/or has population frequency not consistent with disease.

PreventionGenetics, part of Exact Sciences
Classification: Likely benign. Review status: criteria provided, single submitter. Criteria: ACMG Guidelines, 2015. Collection method: clinical testing. Allele origin: germline.

Genetic Services Laboratory, University of Chicago
Classification: Likely benign for AllHighlyPenetrant. Review status: no assertion criteria provided. Collection method: clinical testing. Allele origin: germline. Inheritance: Autosomal recessive inheritance. Not counted in ClinVar's aggregate classification.
Comment: Likely benign based on allele frequency in 1000 Genomes Project or ESP global frequency and its presence in a patient with a rare or unrelated disease phenotype. NOT Sanger confirmed.

NM_002693.3(POLG):c.3644-9A>G

Genes: FANCI (FA complementation group I; plus strand), POLG (DNA polymerase gamma, catalytic subunit; minus strand). Cytogenetic location: 15q26.1.
Variant type: single nucleotide variant.
Coding change: c.3644-9A>G on transcript NM_002693.3 (MANE Select); 9 bases into the intron before coding-DNA position 3644, A replaced by G.
Molecular consequence: intron variant. On other transcripts: 3 prime UTR variant (4).
Genome position (GRCh38, 1-based): chr15:89,316,836, T>C on the plus strand (A>G on the coding strand, the complement: POLG is on the minus strand). VCF-style: chr15-89316836-T-C. GRCh37 (hg19) VCF-style: chr15-89860067-T-C.
Other names: p.?; c.*377T>C (NM_001113378.2, NM_001376910.1, NM_001376911.1 and 1 more transcripts); c.3644-9A>G (NM_001126131.2).
Identifiers: ClinVar variation 129998 (VCV000129998.23), dbSNP rs115048121, ClinGen allele CA288991.